The following is an entry in ClinVar:

NM_032228.6(FAR1):c.767C>A (p.Ala256Glu)

Gene: FAR1 (fatty acyl-CoA reductase 1; plus strand). Cytogenetic location: 11p15.3.
Variant type: single nucleotide variant.
Coding change: c.767C>A on transcript NM_032228.6 (MANE Select); coding-DNA position 767, C replaced by A.
Protein change: p.Ala256Glu; replaces alanine 256 with glutamic acid.
Molecular consequence: missense variant. On other transcripts: synonymous variant (1), intron variant (3).
Genome position (GRCh38, 1-based): chr11:13,711,807, C>A. VCF-style: chr11-13711807-C-A. GRCh37 (hg19) VCF-style: chr11-13733354-C-A.
Other names: c.767C>A, p.Ala256Glu (NM_001441242.1, NM_001441243.1, NM_001441245.1 and 1 more transcripts); c.587C>A, p.Ala196Glu (NM_001441246.1); c.589C>A, p.Arg197= (NM_001441248.1); c.724-121C>A (NM_001441244.1); c.546-1159C>A (NM_001441249.1); c.545+3728C>A (NM_001441250.1); short protein forms A196E, A256E.
Identifiers: ClinVar variation 4887410 (VCV004887410.1).

ClinVar aggregate classification (germline): Uncertain significance (1 of 4 stars; one submission).

Submission:

Women's Health and Genetics/Laboratory Corporation of America, LabCorp
Classification: Uncertain significance. Last evaluated: 2026-06-09. Review status: criteria provided, single submitter. Criteria: LabCorp Variant Classification Summary - May 2015. Collection method: clinical testing. Allele origin: germline.
Comment: Variant summary: FAR1 c.767C>A (p.Ala256Glu) results in a non-conservative amino acid change in the encoded protein sequence. Algorithms developed to predict the effect of missense changes on protein structure and function are either unavailable or do not agree on the potential impact of this missense change. Consensus agreement among computation tools predict no significant impact on normal splicing. However, these predictions have yet to be confirmed by functional studies. The variant was absent in 243124 control chromosomes. The available data on variant occurrences in the general population are insufficient to allow any conclusion about variant significance. To our knowledge, no occurrence of c.767C>A in individuals affected with FAR1-related conditions and no experimental evidence demonstrating its impact on protein function have been reported. No submitters have cited clinical-significance assessments for this variant to ClinVar. Based on the evidence outlined above, the variant was classified as uncertain significance.